The following is an entry in ClinVar:

ClinVar aggregate classification (germline): Benign. Review status: criteria provided, multiple submitters, no conflicts (2 of 4 stars). 4 submissions from 4 submitters: Benign (4). Last evaluated 2026-01-25.

Allele frequency attached by ClinVar (database versions not stated): 1000 Genomes Project 30x 0.00708; 1000 Genomes Project 0.00715; ESP Exome Variant Server 0.01695; gnomAD exomes 0.01854.
gnomAD v4.1: 21,494 of 1,181,891 alleles (1.8%); highest among the groups gnomAD compares: Non-Finnish European, 2.1%; 159 homozygotes.

Submissions (4):

Labcorp Genetics (formerly Invitae), Labcorp
Classification: Benign. Last evaluated: 2026-01-25. Review status: criteria provided, single submitter. Criteria: Invitae Variant Classification Sherloc (09022015). Collection method: clinical testing. Allele origin: germline.

Mayo Clinic Laboratories, Mayo Clinic
Classification: Benign. Last evaluated: 2023-03-09. Review status: criteria provided, single submitter. Criteria: ACMG Guidelines, 2015. Collection method: clinical testing. Allele origin: germline. Observed: 16 variant alleles.
Comment: BS1, BS2, BP4, BP7

CeGaT Center for Human Genetics Tuebingen
Classification: Benign. Last evaluated: 2022-07-01. Review status: criteria provided, single submitter. Criteria: CeGaT Center For Human Genetics Tuebingen Variant Classification Criteria Version 2. Collection method: clinical testing. Allele origin: germline. Affected: yes. Observed: 1 variant allele.
Comment: TAF1: BP4, BP7, BS1, BS2

Breakthrough Genomics
Classification: Benign. Review status: criteria provided, single submitter. Criteria: ACMG Guidelines, 2015. Collection method: not provided. Allele origin: germline. Inheritance: X-linked inheritance. Affected: yes.

NM_004606.5(TAF1):c.1473C>G (p.Ala491=)

Gene: TAF1 (TATA-box binding protein associated factor 1; plus strand). Cytogenetic location: Xq13.1.
Variant type: single nucleotide variant.
Coding change: c.1473C>G on transcript NM_004606.5 (MANE Select); coding-DNA position 1473, C replaced by G.
Protein change: p.Ala491=; no amino-acid change (alanine 491 retained).
Molecular consequence: synonymous variant. On other transcripts: non-coding transcript variant (9).
Genome position (GRCh38, 1-based): chrX:71,381,855, C>G. VCF-style: chrX-71381855-C-G. GRCh37 (hg19) VCF-style: chrX-70601705-C-G.
Other names: p.Ala511=; c.1473C>G, p.Ala491= (NM_001286074.2); c.1410C>G, p.Ala470= (NM_138923.4); c.1533C>G (NM_004606.4).
Identifiers: ClinVar variation 1639082 (VCV001639082.34), dbSNP rs28382162, ClinGen allele CA10446713.